The following is an entry in ClinVar:

NM_001267550.2(TTN):c.19375G>A (p.Val6459Met)

Gene: TTN (titin; minus strand). Cytogenetic location: 2q31.2.
Variant type: single nucleotide variant.
Coding change: c.19375G>A on transcript NM_001267550.2 (MANE Select); coding-DNA position 19375, G replaced by A.
Protein change: p.Val6459Met; replaces valine 6459 with methionine.
Molecular consequence: missense variant. On other transcripts: intron variant (3).
Genome position (GRCh38, 1-based): chr2:178,728,551, C>T on the plus strand (G>A on the coding strand, the complement: TTN is on the minus strand). VCF-style: chr2-178728551-C-T. GRCh37 (hg19) VCF-style: chr2-179593278-C-T.
Other names: c.18424G>A, p.Val6142Met (NM_001256850.1); c.15643G>A, p.Val5215Met (NM_133378.4); c.13282+9531G>A (NM_003319.4); c.13858+9531G>A (NM_133437.4); c.13657+9531G>A (NM_133432.3); short protein forms V5215M, V6142M, V6459M.
Identifiers: ClinVar variation 3572506 (VCV003572506.3).

ClinVar aggregate classification (germline): Uncertain significance. Review status: criteria provided, multiple submitters, no conflicts (2 of 4 stars). 2 submissions from 2 submitters: Uncertain significance (2). Last evaluated 2026-04-01.

gnomAD v4.1: 9 of 1,612,852 alleles (0.00056%); highest among the groups gnomAD compares: Non-Finnish European, 0.00076%; no homozygotes.

Submissions (2):

CeGaT Center for Human Genetics Tuebingen
Classification: Uncertain significance. Last evaluated: 2026-04-01. Review status: criteria provided, single submitter. Criteria: CeGaT Center For Human Genetics Tuebingen Variant Classification Criteria Version 2. Collection method: clinical testing. Allele origin: germline. Affected: yes. Observed: 1 variant allele.
Comment: TTN: PM2

GeneDx
Classification: Uncertain significance. Last evaluated: 2024-07-08. Review status: criteria provided, single submitter. Criteria: GeneDx Variant Classification Process June 2021. Collection method: clinical testing. Allele origin: germline. Affected: yes.
Comment: Not observed at significant frequency in large population cohorts (gnomAD); Missense variant in a gene in which most reported pathogenic variants are truncating/loss of function; Has not been previously published as pathogenic or benign to our knowledge